The following is an entry in ClinVar:

NM_206933.4(USH2A):c.7999_8002del (p.Glu2667fs)

Gene: USH2A (usherin; minus strand). Cytogenetic location: 1q41.
Variant type: Deletion.
Coding change: c.7999_8002del on transcript NM_206933.4 (MANE Select); coding-DNA positions 7999 to 8002, 4 bases deleted (GAAG; older notation c.7999_8002delGAAG).
Protein change: p.Glu2667fs; shifts the reading frame from glutamic acid 2667.
Molecular consequence: frameshift variant.
Genome position (GRCh38, 1-based): chr1:215,888,647-215,888,650, CTTC deleted on the plus strand (GAAG on the coding strand, the reverse complement: USH2A is on the minus strand); deleting any 4 consecutive bases within chr1:215,888,647-215,888,653 gives the same sequence; the c. name uses the placement nearest the transcript's 3' end. VCF-style (leftmost placement, unchanged base first): chr1-215888646-TCTTC-T. GRCh37 (hg19) VCF-style: chr1-216061988-TCTTC-T.
Other names: short protein forms E2667fs.
Identifiers: ClinVar variation 4817154 (VCV004817154.1).

ClinVar aggregate classification (germline): Likely pathogenic (1 of 4 stars; one submission).

Conditions:
Usher syndrome type 2A. Also called: RETINAL DISEASE IN USHER SYNDROME TYPE IIA, MODIFIER OF; USHER SYNDROME, TYPE IIA. Identifiers: Orphanet 231178, Orphanet 886, MedGen C1848634, MONDO:0010169, OMIM 276901.

Submission:

Natera, Inc.
Classification: Likely pathogenic for Usher syndrome type 2A. Last evaluated: 2025-09-30. Review status: criteria provided, single submitter. Criteria: Natera Variant Classification Schema (03/2026). Collection method: clinical testing. Allele origin: germline.
Comment: The c.7999_8002del variant in USH2A is a frameshift variant predicted to shift the reading frame beginning at codon 2667 and leads to a stop codon 6 codons downstream. This variant is expected to result in nonsense mediated decay, truncation, or a dysfunctional protein product. This variant is rare in the general population with a frequency below the threshold expected for the associated phenotype(s). Given the available evidence, this variant is classified as Likely Pathogenic.